The following is an entry in ClinVar:

ClinVar aggregate classification (germline): Likely benign. Review status: criteria provided, multiple submitters, no conflicts (2 of 4 stars). 3 submissions from 3 submitters: Likely benign (2). 1 of the submissions does not count toward it. Last evaluated 2023-03-17.

Conditions:
SERPINA1-related disorder. Also called: SerpinA1-related disorders; SERPINA1-related condition.
Inborn genetic diseases. Identifiers: MedGen C0950123, MeSH D030342.
Alpha-1-antitrypsin deficiency (A1ATD). Also called: Alpha1-Antitrypsin Deficiency; AAT deficiency; A1AT deficiency. Identifiers: MONDO:0013282, OMIM 613490, Orphanet 60, MedGen C0221757.

Allele frequency attached by ClinVar (database versions not stated): TOPMed 0.00002; gnomAD 0.00003; 1000 Genomes Project 30x 0.00016; 1000 Genomes Project 0.00020.
gnomAD v4.1: 28 of 1,614,158 alleles (0.0017%); highest among the groups gnomAD compares: Non-Finnish European, 0.0021%; no homozygotes.

Submissions (3):

Labcorp Genetics (formerly Invitae), Labcorp
Classification: Likely benign for Alpha-1-antitrypsin deficiency. Last evaluated: 2023-03-17. Review status: criteria provided, single submitter. Criteria: Invitae Variant Classification Sherloc (09022015). Collection method: clinical testing. Allele origin: germline.

Ambry Genetics
Classification: Likely benign for Inborn genetic diseases. Last evaluated: 2021-01-08. Review status: criteria provided, single submitter. Criteria: Ambry Variant Classification Scheme 2023. Collection method: clinical testing. Allele origin: germline.

PreventionGenetics, part of Exact Sciences
Classification: Likely benign for SERPINA1-related condition. Last evaluated: 2023-07-12. Review status: no assertion criteria provided. Collection method: clinical testing. Allele origin: germline. Not counted in ClinVar's aggregate classification.
Comment: This variant is classified as likely benign based on ACMG/AMP sequence variant interpretation guidelines (Richards et al. 2015 PMID: 25741868, with internal and published modifications).

NM_000295.5(SERPINA1):c.819C>T (p.Thr273=)

Gene: SERPINA1 (serpin family A member 1; minus strand). Cytogenetic location: 14q32.13.
Variant type: single nucleotide variant.
Coding change: c.819C>T on transcript NM_000295.5 (MANE Select); coding-DNA position 819, C replaced by T.
Protein change: p.Thr273=; no amino-acid change (threonine 273 retained).
Molecular consequence: synonymous variant.
Genome position (GRCh38, 1-based): chr14:94,380,969, G>A on the plus strand (C>T on the coding strand, the complement: SERPINA1 is on the minus strand). VCF-style: chr14-94380969-G-A. GRCh37 (hg19) VCF-style: chr14-94847306-G-A.
Other names: c.819C>T, p.Thr273= (NM_001002235.3, NM_001002236.3, NM_001127700.2 and 7 more transcripts).
Identifiers: ClinVar variation 702361 (VCV000702361.15), dbSNP rs2230075, ClinGen allele CA7327400.